The following is an entry in ClinVar:

NM_004177.5(STX3):c.211C>A (p.Pro71Thr)

Gene: STX3 (syntaxin 3; plus strand). Cytogenetic location: 11q12.1.
Variant type: single nucleotide variant.
Coding change: c.211C>A on transcript NM_004177.5 (MANE Select); coding-DNA position 211, C replaced by A.
Protein change: p.Pro71Thr; replaces proline 71 with threonine.
Molecular consequence: missense variant.
Genome position (GRCh38, 1-based): chr11:59,787,133, C>A. VCF-style: chr11-59787133-C-A. GRCh37 (hg19) VCF-style: chr11-59554606-C-A.
Other names: c.211C>A, p.Pro71Thr (NM_001178040.3); short protein forms P71T.
Identifiers: ClinVar variation 1499794 (VCV001499794.6), dbSNP rs1565182657, ClinGen allele CA380795704.

ClinVar aggregate classification (germline): Uncertain significance (1 of 4 stars; one submission).

Submission:

Labcorp Genetics (formerly Invitae), Labcorp
Classification: Uncertain significance. Last evaluated: 2025-07-30. Review status: criteria provided, single submitter. Criteria: Invitae Variant Classification Sherloc (09022015). Collection method: clinical testing. Allele origin: germline.
Comment: This sequence change replaces proline, which is neutral and non-polar, with threonine, which is neutral and polar, at codon 71 of the STX3 protein (p.Pro71Thr). This variant is not present in population databases (gnomAD no frequency). This variant has not been reported in the literature in individuals affected with STX3-related conditions. ClinVar contains an entry for this variant (Variation ID: 1499794). An algorithm developed to predict the effect of missense changes on protein structure and function (PolyPhen-2) suggests that this variant is likely to be tolerated. In summary, the available evidence is currently insufficient to determine the role of this variant in disease. Therefore, it has been classified as a Variant of Uncertain Significance.